The following is an entry in ClinVar:

ClinVar aggregate classification (germline): Conflicting classifications of pathogenicity. Review status: criteria provided, conflicting classifications (1 of 4 stars). 4 submissions from 4 submitters: Likely pathogenic (3); Uncertain significance (1). Last evaluated 2026-10-06.

Conditions:
Neurofibromatosis, type 1 (NF1). Also called: VON RECKLINGHAUSEN DISEASE; Peripheral type neurofibromatosis; Neurofibromatosis, type I; NEUROFIBROMATOSIS, TYPE I, SOMATIC. Identifiers: Orphanet 636, MedGen C0027831, MONDO:0018975, OMIM 162200. Disease mechanism: loss of function.

Submissions (4):

NHS Central & South Genomic Laboratory Hub
Classification: Likely pathogenic for Neurofibromatosis type 1. Last evaluated: 2026-10-06. Review status: criteria provided, single submitter. Criteria: ACMG Guidelines, 2015. Collection method: clinical testing. Allele origin: germline. Affected: yes.

Labcorp Genetics (formerly Invitae), Labcorp
Classification: Uncertain significance for Neurofibromatosis, type 1. Last evaluated: 2024-09-30. Review status: criteria provided, single submitter. Criteria: Invitae Variant Classification Sherloc (09022015). Collection method: clinical testing. Allele origin: germline.
Comment: This sequence change replaces serine, which is neutral and polar, with proline, which is neutral and non-polar, at codon 2019 of the NF1 protein (p.Ser2019Pro). This variant is not present in population databases (gnomAD no frequency). This variant has not been reported in the literature in individuals affected with NF1-related conditions. ClinVar contains an entry for this variant (Variation ID: 578527). Invitae Evidence Modeling of protein sequence and biophysical properties (such as structural, functional, and spatial information, amino acid conservation, physicochemical variation, residue mobility, and thermodynamic stability) indicates that this missense variant is expected to disrupt NF1 protein function with a positive predictive value of 95%. In summary, the available evidence is currently insufficient to determine the role of this variant in disease. Therefore, it has been classified as a Variant of Uncertain Significance.

GeneDx
Classification: Likely pathogenic. Last evaluated: 2024-04-02. Review status: criteria provided, single submitter. Criteria: GeneDx Variant Classification Process June 2021. Collection method: clinical testing. Allele origin: germline. Affected: yes.
Comment: Not observed at significant frequency in large population cohorts (gnomAD); In silico analysis supports that this missense variant has a deleterious effect on protein structure/function; This variant is associated with the following publications: (PMID: 37751797)

Medical Genetics, University of Parma
Classification: Likely pathogenic for Neurofibromatosis, type 1. Last evaluated: 2022-08-17. Review status: criteria provided, single submitter. Criteria: ACMG Guidelines, 2015. Collection method: clinical testing. Allele origin: germline. Inheritance: Autosomal dominant inheritance. Affected: yes.

NM_001042492.3(NF1):c.6118T>C (p.Ser2040Pro)

Gene: NF1 (neurofibromin 1; plus strand). Cytogenetic location: 17q11.2.
Variant type: single nucleotide variant.
Coding change: c.6118T>C on transcript NM_001042492.3 (MANE Select); coding-DNA position 6118, T replaced by C.
Protein change: p.Ser2040Pro; replaces serine 2040 with proline.
Molecular consequence: missense variant.
Genome position (GRCh38, 1-based): chr17:31,336,444, T>C. VCF-style: chr17-31336444-T-C. GRCh37 (hg19) VCF-style: chr17-29663462-T-C.
Other names: c.6055T>C, p.Ser2019Pro (NM_000267.4); short protein forms S2040P, S2019P.
Identifiers: ClinVar variation 578527 (VCV000578527.9), dbSNP rs1567616704, ClinGen allele CA399011435.